The following is an entry in ClinVar:

NM_152564.5(VPS13B):c.186T>G (p.Ile62Met)

Gene: VPS13B (vacuolar protein sorting 13 homolog B; plus strand). Cytogenetic location: 8q22.2.
Variant type: single nucleotide variant.
Coding change: c.186T>G on transcript NM_152564.5 (MANE Select); coding-DNA position 186, T replaced by G.
Protein change: p.Ile62Met; replaces isoleucine 62 with methionine.
Molecular consequence: missense variant. On other transcripts: non-coding transcript variant (1).
Genome position (GRCh38, 1-based): chr8:99,038,461, T>G. VCF-style: chr8-99038461-T-G. GRCh37 (hg19) VCF-style: chr8-100050689-T-G.
Other names: c.186T>G, p.Ile62Met (NM_015243.3, NM_017890.5, NM_181661.3); short protein forms I62M.
Identifiers: ClinVar variation 1498366 (VCV001498366.6), dbSNP rs2132222016, ClinGen allele CA371859674.

ClinVar aggregate classification (germline): Uncertain significance (1 of 4 stars; one submission).

Conditions:
Cohen syndrome (COH1). Also called: Cutis verticis gyrata, retinitis pigmentosa, and sensorineural deafness; PEPPER SYNDROME. Identifiers: Orphanet 193, MedGen C0265223, MONDO:0008999, OMIM 216550.

Submission:

Labcorp Genetics (formerly Invitae), Labcorp
Classification: Uncertain significance for Cohen syndrome. Last evaluated: 2021-08-14. Review status: criteria provided, single submitter. Criteria: Invitae Variant Classification Sherloc (09022015). Collection method: clinical testing. Allele origin: germline.
Comment: This sequence change replaces isoleucine with methionine at codon 62 of the VPS13B protein (p.Ile62Met). The isoleucine residue is moderately conserved and there is a small physicochemical difference between isoleucine and methionine. This variant is not present in population databases (ExAC no frequency). In summary, the available evidence is currently insufficient to determine the role of this variant in disease. Therefore, it has been classified as a Variant of Uncertain Significance. Algorithms developed to predict the effect of missense changes on protein structure and function are either unavailable or do not agree on the potential impact of this missense change (SIFT: "Not Available"; PolyPhen-2: "Possibly Damaging"; Align-GVGD: "Not Available"). This variant has not been reported in the literature in individuals affected with VPS13B-related conditions.